The following is an entry in ClinVar:

NM_004113.6(FGF12):c.322G>C (p.Gly108Arg)

Gene: FGF12 (fibroblast growth factor 12; minus strand). Cytogenetic location: 3q28.
Variant type: single nucleotide variant.
Coding change: c.322G>C on transcript NM_004113.6 (MANE Select); coding-DNA position 322, G replaced by C.
Protein change: p.Gly108Arg; replaces glycine 108 with arginine.
Molecular consequence: missense variant.
Genome position (GRCh38, 1-based): chr3:192,170,563, C>G on the plus strand (G>C on the coding strand, the complement: FGF12 is on the minus strand). VCF-style: chr3-192170563-C-G. GRCh37 (hg19) VCF-style: chr3-191888352-C-G.
Other names: c.211G>C, p.Gly71Arg (NM_001377292.1); c.250G>C, p.Gly84Arg (NM_001377293.1, NM_001377294.1); c.508G>C, p.Gly170Arg (NM_021032.5); c.508G>C (NM_021032.4); short protein forms G84R, G170R, G108R, G71R.
Identifiers: ClinVar variation 1518682 (VCV001518682.9), dbSNP rs9862559, ClinGen allele CA355866070.
Genomic context (GRCh38, chr3:192,170,563, plus strand): 5'-TCACTCTGTTCCCCTTCATAATTTGACCTTCTTTATTGAGTCCCAGAAACCAAGCTCGGC[C>G]TGATTCTTGCTGGCGGTACAGTGTGGAAGAATAGATCACATAGTAGTTTTCAAACACAGA-3'
Protein context (NP_004104.3, residues 98-118): SSTLYRQQES[Gly108Arg]RAWFLGLNKE

ClinVar aggregate classification (germline): Uncertain significance. Review status: criteria provided, multiple submitters, no conflicts (2 of 4 stars). 2 submissions from 2 submitters: Uncertain significance (2). Last evaluated 2026-02-24.

Submissions (2):

GeneDx
Classification: Uncertain significance. Last evaluated: 2026-02-24. Review status: criteria provided, single submitter. Criteria: GeneDx Variant Classification Process June 2021. Collection method: clinical testing. Allele origin: germline.
Comment: Not observed at significant frequency in large population cohorts (gnomAD); In silico analysis supports that this missense variant has a deleterious effect on protein structure/function; Has not been previously published as pathogenic or benign to our knowledge

Labcorp Genetics (formerly Invitae), Labcorp
Classification: Uncertain significance. Last evaluated: 2025-01-06. Review status: criteria provided, single submitter. Criteria: Invitae Variant Classification Sherloc (09022015). Collection method: clinical testing. Allele origin: germline.
Comment: This sequence change replaces glycine, which is neutral and non-polar, with arginine, which is basic and polar, at codon 170 of the FGF12 protein (p.Gly170Arg). This variant is not present in population databases (gnomAD no frequency). This variant has not been reported in the literature in individuals affected with FGF12-related conditions. ClinVar contains an entry for this variant (Variation ID: 1518682). Invitae Evidence Modeling of protein sequence and biophysical properties (such as structural, functional, and spatial information, amino acid conservation, physicochemical variation, residue mobility, and thermodynamic stability) indicates that this missense variant is not expected to disrupt FGF12 protein function with a negative predictive value of 80%. In summary, the available evidence is currently insufficient to determine the role of this variant in disease. Therefore, it has been classified as a Variant of Uncertain Significance.